The following is an entry in ClinVar:

NM_000051.4(ATM):c.2184del (p.Tyr729fs)

Gene: ATM (ATM serine/threonine kinase; plus strand). Cytogenetic location: 11q22.3.
Variant type: Deletion.
Coding change: c.2184del on transcript NM_000051.4 (MANE Select); coding-DNA position 2184, one base deleted (C; older notation c.2184delC).
Protein change: p.Tyr729fs; shifts the reading frame from tyrosine 729.
Molecular consequence: frameshift variant.
Genome position (GRCh38, 1-based): chr11:108,256,274, C deleted. VCF-style (leftmost placement, unchanged base first): chr11-108256273-GC-G. GRCh37 (hg19) VCF-style: chr11-108127000-GC-G.
Other names: c.2184del, p.Tyr729fs (NM_001351834.2); short protein forms Y729fs.
Identifiers: ClinVar variation 3148320 (VCV003148320.1), dbSNP rs2497358555, ClinGen allele CA2825001793.

ClinVar aggregate classification (germline): Pathogenic (1 of 4 stars; one submission).

Conditions:
Familial cancer of breast. Also called: BREAST CANCER, FAMILIAL; Hereditary breast cancer; hereditary breast carcinoma. Identifiers: Orphanet 227535, MedGen C0346153, MONDO:0016419, OMIM 114480. Disease mechanism: loss of function.

Submission:

Myriad Genetics, Inc.
Classification: Pathogenic for Familial cancer of breast. Last evaluated: 2024-01-17. Review status: criteria provided, single submitter. Criteria: Myriad Autosomal Dominant, Autosomal Recessive and X-Linked Classification Criteria (2023). Collection method: clinical testing. Allele origin: unknown.
Comment: This variant is considered pathogenic. This variant creates a frameshift predicted to result in premature protein truncation.